The following is an entry in ClinVar:

ClinVar aggregate classification (germline): Conflicting classifications of pathogenicity. Review status: criteria provided, conflicting classifications (1 of 4 stars). 2 submissions from 2 submitters: Likely pathogenic (1); Uncertain significance (1). Last evaluated 2026-10-06.

Conditions:
RASopathy. Also called: Noonan spectrum disorder; rasopathies. Identifiers: Orphanet 536391, MedGen C5555857, MONDO:0021060.

Allele frequency attached by ClinVar (database versions not stated): gnomAD exomes below 0.00001.
gnomAD v4.1: 6 of 1,614,102 alleles (0.00037%); highest among the groups gnomAD compares: Non-Finnish European, 0.00042%; no homozygotes.

Submissions (2):

GeneDx
Classification: Likely pathogenic. Last evaluated: 2026-10-06. Review status: criteria provided, single submitter. Criteria: GeneDx Variant Classification Process June 2021. Collection method: clinical testing. Allele origin: germline.
Comment: Not observed at significant frequency in large population cohorts (gnomAD); Missense variants in this gene are a common cause of disease and they are underrepresented in the general population; In silico analysis supports that this missense variant has a deleterious effect on protein structure/function; In vitro studies show that this variant behaves like wild-type in terms of focus formation and sensitivity to BRAF and MEK inhibitors; however, additional studies are needed (PMID: 36442478); This variant is associated with the following publications: (PMID: 32757330, 36442478, 19156172, 26399658, 22753777, 29493581, 22177953, 25370473)

Labcorp Genetics (formerly Invitae), Labcorp
Classification: Uncertain significance for RASopathy. Last evaluated: 2022-08-31. Review status: criteria provided, single submitter. Criteria: Invitae Variant Classification Sherloc (09022015). Collection method: clinical testing. Allele origin: germline.
Comment: In summary, the available evidence is currently insufficient to determine the role of this variant in disease. Therefore, it has been classified as a Variant of Uncertain Significance. Advanced modeling of protein sequence and biophysical properties (such as structural, functional, and spatial information, amino acid conservation, physicochemical variation, residue mobility, and thermodynamic stability) performed at Invitae indicates that this missense variant is expected to disrupt MAP2K1 protein function. ClinVar contains an entry for this variant (Variation ID: 1424722). This variant has not been reported in the literature in individuals affected with MAP2K1-related conditions. This variant is not present in population databases (gnomAD no frequency). This sequence change replaces valine, which is neutral and non-polar, with methionine, which is neutral and non-polar, at codon 127 of the MAP2K1 protein (p.Val127Met).

NM_002755.4(MAP2K1):c.379G>A (p.Val127Met)

Gene: MAP2K1 (mitogen-activated protein kinase kinase 1; plus strand). Cytogenetic location: 15q22.31.
Variant type: single nucleotide variant.
Coding change: c.379G>A on transcript NM_002755.4 (MANE Select); coding-DNA position 379, G replaced by A.
Protein change: p.Val127Met; replaces valine 127 with methionine.
Molecular consequence: missense variant.
Genome position (GRCh38, 1-based): chr15:66,436,833, G>A. VCF-style: chr15-66436833-G-A. GRCh37 (hg19) VCF-style: chr15-66729171-G-A.
Other names: c.379G>A (NM_002755.3); short protein forms V127M.
Identifiers: ClinVar variation 1424722 (VCV001424722.8), dbSNP rs1013906172, ClinGen allele CA271642346.
Genomic context (GRCh38, chr15:66,436,833, plus strand): 5'-ATCCGGAACCAGATCATAAGGGAGCTGCAGGTTCTGCATGAGTGCAACTCTCCGTACATC[G>A]TGGGCTTCTATGGTGCGTTCTACAGCGATGGCGAGATCAGTATCTGCATGGAGCACATGG-3'
Protein context (NP_002746.1, residues 117-137): VLHECNSPYI[Val127Met]GFYGAFYSDG